The following is an entry in ClinVar:

NM_000059.4(BRCA2):c.7404A>C (p.Val2468=)

Gene: BRCA2 (BRCA2 DNA repair associated; plus strand). Cytogenetic location: 13q13.1.
Variant type: single nucleotide variant.
Coding change: c.7404A>C on transcript NM_000059.4 (MANE Select); coding-DNA position 7404, A replaced by C.
Protein change: p.Val2468=; no amino-acid change (valine 2468 retained).
Molecular consequence: synonymous variant.
Genome position (GRCh38, 1-based): chr13:32,355,257, A>C. VCF-style: chr13-32355257-A-C. GRCh37 (hg19) VCF-style: chr13-32929394-A-C.
Identifiers: ClinVar variation 184318 (VCV000184318.26), dbSNP rs747117261, ClinGen allele CA025056.

ClinVar aggregate classification (germline): Likely benign. Review status: reviewed by expert panel (3 of 4 stars). 10 submissions from 10 submitters: Likely benign (1). 9 of the submissions do not count toward it. Last evaluated 2017-06-29.

Conditions:
BRCA2-related cancer predisposition. Identifiers: MedGen CN377758, MONDO:0700269.
BRCA2-related disorder. Also called: BRCA2-related condition; BRCA2-related disorders. Identifiers: MedGen CN239275.
Hereditary cancer-predisposing syndrome. Also called: Tumor predisposition; Hereditary Cancer Syndrome; Hereditary neoplastic syndrome; Neoplastic Syndromes, Hereditary. Identifiers: Orphanet 140162, MedGen C0027672, MeSH D009386, MONDO:0015356.
Hereditary breast ovarian cancer syndrome. Also called: Breast and ovarian cancer; Hereditary breast and ovarian cancer syndrome; Hereditary breast and ovarian cancer; BRCA1- and BRCA2-Associated Hereditary Breast and Ovarian Cancer; Hereditary breast and ovarian cancer syndrome (HBOC); Hereditary breast and/or ovarian cancer syndrome. Identifiers: Orphanet 145, MedGen C0677776, MeSH D061325, MONDO:0003582. Disease mechanism: loss of function.
Breast-ovarian cancer, familial, susceptibility to, 2 (BROVCA2). Also called: BRCA2 Hereditary Breast and Ovarian Cancer. Identifiers: Orphanet 145, MedGen C2675520, MONDO:0012933, OMIM 612555. Disease mechanism: loss of function.

Allele frequency attached by ClinVar (database versions not stated): gnomAD exomes below 0.00001 and 0.00001; ExAC 0.00002.
gnomAD v4.1: 2 of 1,613,748 alleles (0.00012%); highest among the groups gnomAD compares: East Asian, 0.0045%; no homozygotes.

Submissions (10):

Evidence-based Network for the Interpretation of Germline Mutant Alleles (ENIGMA)
Classification: Likely benign for Breast-ovarian cancer, familial, susceptibility to, 2. Last evaluated: 2017-06-29. Review status: reviewed by expert panel. Criteria: ENIGMA BRCA1/2 Classification Criteria (2017-06-29). Collection method: curation. Allele origin: germline.
Comment: Synonymous substitution variant, with low bioinformatic likelihood to result in a splicing aberration (Splicing prior probability 0.02).

Labcorp Genetics (formerly Invitae), Labcorp
Classification: Likely benign for Hereditary breast ovarian cancer syndrome. Last evaluated: 2025-12-03. Review status: criteria provided, single submitter. Criteria: Invitae Variant Classification Sherloc (09022015). Collection method: clinical testing. Allele origin: germline. Not counted in ClinVar's aggregate classification.

Quest Diagnostics Nichols Institute San Juan Capistrano
Classification: Likely benign. Last evaluated: 2025-07-15. Review status: criteria provided, single submitter. Criteria: Quest Diagnostics criteria. Collection method: clinical testing. Allele origin: unknown. Not counted in ClinVar's aggregate classification.

Women's Health and Genetics/Laboratory Corporation of America, LabCorp
Classification: Likely benign. Last evaluated: 2023-09-22. Review status: criteria provided, single submitter. Criteria: LabCorp Variant Classification Summary - May 2015. Collection method: clinical testing. Allele origin: germline. Not counted in ClinVar's aggregate classification.

All of Us Research Program, National Institutes of Health
Classification: Likely benign for Breast-ovarian cancer, familial, susceptibility to, 2. Last evaluated: 2023-06-26. Review status: criteria provided, single submitter. Criteria: ACMG Guidelines, 2015. Collection method: clinical testing. Allele origin: germline. Inheritance: Autosomal dominant inheritance. Observed: 2 variant alleles, 2 heterozygotes. Not counted in ClinVar's aggregate classification.
Comment: This study involves interpretation of variants in research participants for the purpose of population health screening. Participant phenotype was not available at the time of variant classification. Additional details can be found in publication PMID: 35346344, PMCID: PMC8962531

Department of Pathology and Laboratory Medicine, Sinai Health System
Classification: Likely benign for BRCA2-related cancer predisposition. Last evaluated: 2023-03-01. Review status: criteria provided, single submitter. Criteria: ACMG Guidelines, 2015. Collection method: clinical testing. Allele origin: germline. Affected: yes. Not counted in ClinVar's aggregate classification.

GeneDx
Classification: Likely benign. Last evaluated: 2019-05-14. Review status: criteria provided, single submitter. Criteria: GeneDx Variant Classification Process June 2021. Collection method: clinical testing. Allele origin: germline. Affected: yes. Not counted in ClinVar's aggregate classification.

Color Diagnostics, LLC DBA Color Health
Classification: Likely benign for Hereditary cancer-predisposing syndrome. Last evaluated: 2017-07-28. Review status: criteria provided, single submitter. Criteria: ACMG Guidelines, 2015. Collection method: clinical testing. Allele origin: germline. Not counted in ClinVar's aggregate classification.

Ambry Genetics
Classification: Likely benign for Hereditary cancer-predisposing syndrome. Last evaluated: 2015-05-27. Review status: criteria provided, single submitter. Criteria: Ambry Variant Classification Scheme 2023. Collection method: clinical testing. Allele origin: germline. Not counted in ClinVar's aggregate classification.

PreventionGenetics, part of Exact Sciences
Classification: Likely benign for BRCA2-related condition. Last evaluated: 2022-07-27. Review status: no assertion criteria provided. Collection method: clinical testing. Allele origin: germline. Not counted in ClinVar's aggregate classification.
Comment: This variant is classified as likely benign based on ACMG/AMP sequence variant interpretation guidelines (Richards et al. 2015 PMID: 25741868, with internal and published modifications).

Literature cited by the submitters: PubMed 34235180 (cited by Quest Diagnostics Nichols Institute San Juan Capistrano); PubMed 32467295 (cited by Quest Diagnostics Nichols Institute San Juan Capistrano); PubMed 31191615 (cited by Quest Diagnostics Nichols Institute San Juan Capistrano).